The following is an entry in ClinVar:

NM_001330078.2(NRXN1):c.665_673dup (p.Glu222_Glu224dup)

Gene: NRXN1 (neurexin 1; minus strand). Cytogenetic location: 2p16.3.
Variant type: Duplication.
Coding change: c.665_673dup on transcript NM_001330078.2 (MANE Select); coding-DNA positions 665 to 673, 9 bases duplicated (AGGGCGAGG; older notation c.665_673dupAGGGCGAGG).
Protein change: p.Glu222_Glu224dup.
Molecular consequence: inframe insertion.
Genome position (GRCh38, 1-based): chr2:51,027,601-51,027,609, CCTCGCCCT duplicated on the plus strand (AGGGCGAGG on the coding strand, the reverse complement: NRXN1 is on the minus strand); duplicating any 9 consecutive bases within chr2:51,027,601-51,027,617 gives the same sequence; the c. name uses the placement nearest the transcript's 3' end. VCF-style (leftmost placement, unchanged base first): chr2-51027600-C-CCCTCGCCCT. GRCh37 (hg19) VCF-style: chr2-51254738-C-CCCTCGCCCT.
Other names: c.665_673dup (NM_001135659.1); c.665_673dup9 (NM_001135659.2); c.665_673dup, p.Glu222_Glu224dup (NM_001135659.3, NM_001330077.2, NM_001330079.2 and 15 more transcripts).
Identifiers: ClinVar variation 539879 (VCV000539879.25), dbSNP rs774230140, ClinGen allele CA1655435.
Genomic context (GRCh38, chr2:51,027,600, plus strand): 5'-CAGTCGCACACGGCCTGGTCGTCCACCACGGAGCACACACCTCCGTTGAGGCACACCCCG[C>CCCTCGCCCT]CCTCGCCCTCCTCGCCCGCCTCGCACGGGCTTCCCCCGCCGCTGTTGGGCGGCTCATCGT-3'

ClinVar aggregate classification (germline): Uncertain significance. Review status: criteria provided, multiple submitters, no conflicts (2 of 4 stars). 5 submissions from 5 submitters: Uncertain significance (5). Last evaluated 2025-06-26.

Conditions:
Pitt-Hopkins-like syndrome 2 (PTHSL2). Identifiers: Orphanet 221150, Orphanet 600663, MedGen C3280479, MONDO:0013690, OMIM 614325.
Chromosome 2p16.3 deletion syndrome. Identifiers: MedGen C3808494, MONDO:0013696, OMIM 614332.
Inborn genetic diseases. Identifiers: MedGen C0950123, MeSH D030342.

Submissions (5):

GeneDx
Classification: Uncertain significance. Last evaluated: 2025-06-26. Review status: criteria provided, single submitter. Criteria: GeneDx Variant Classification Process June 2021. Collection method: clinical testing. Allele origin: germline. Affected: yes.
Comment: In-frame duplication of 3 amino acids in a non-repeat region; Has not been previously published as pathogenic or benign to our knowledge

Labcorp Genetics (formerly Invitae), Labcorp
Classification: Uncertain significance for Pitt-Hopkins-like syndrome 2. Last evaluated: 2025-03-19. Review status: criteria provided, single submitter. Criteria: Invitae Variant Classification Sherloc (09022015). Collection method: clinical testing. Allele origin: germline.
Comment: This variant, c.665_673dup, results in the insertion of 3 amino acid(s) of the NRXN1 protein (p.Glu222_Glu224dup), but otherwise preserves the integrity of the reading frame. This variant is present in population databases (rs774230140, gnomAD 0.03%). This variant has not been reported in the literature in individuals affected with NRXN1-related conditions. ClinVar contains an entry for this variant (Variation ID: 539879). Experimental studies and prediction algorithms are not available or were not evaluated, and the functional significance of this variant is currently unknown. In summary, the available evidence is currently insufficient to determine the role of this variant in disease. Therefore, it has been classified as a Variant of Uncertain Significance.

Mayo Clinic Laboratories, Mayo Clinic
Classification: Uncertain significance. Last evaluated: 2019-05-20. Review status: criteria provided, single submitter. Criteria: ACMG Guidelines, 2015. Collection method: clinical testing. Allele origin: germline. Observed: 1 variant allele.

Ambry Genetics
Classification: Uncertain significance for Inborn genetic diseases. Last evaluated: 2016-08-04. Review status: criteria provided, single submitter. Criteria: Ambry Variant Classification Scheme 2023. Collection method: clinical testing. Allele origin: germline.
Comment: The c.665_673dupAGGGCGAGG variant (also known as p.E222_E224dup), located in coding exon 1 of the NRXN1 gene, results from an in-frame duplication of AGGGCGAGG at nucleotide positions 665 to 673. This results in the duplication of 3 extra residues (EGE) between codons 222 and 224. This variant was not reported in population based cohorts in the following databases: Database of Single Nucleotide Polymorphisms (dbSNP), NHLBI Exome Sequencing Project (ESP), and 1000 Genomes Project. In the ESP, this variant was not observed in 6334 samples (12668 alleles) with coverage at this position. This amino acid positions are not well conserved in available vertebrate species. Since supporting evidence is limited at this time, the clinical significance of this variant remains unclear.

Center for Genomics, Ann and Robert H. Lurie Children's Hospital of Chicago
Classification: Uncertain significance for Pitt-Hopkins-like syndrome 2; Chromosome 2p16.3 deletion syndrome. Review status: criteria provided, single submitter. Criteria: ACMG Guidelines, 2015. Collection method: clinical testing. Allele origin: germline.
Comment: NRXN1 NM_001135659.2 exon 2 p.Glu222_Glu224dup (c.665_673dup): This variant has not been reported in the literature but is present in 9/32736 Latino alleles in the Genome Aggregation Database. Evolutionary conservation and computational predictive tools for this variant are limited or unavailable. This variant represents an in-frame duplication of 3 amino acids at position 222 and is not predicted to alter the reading frame. However, the effect of this variant on the protein is unclear. In summary, data on this variant is insufficient for disease classification. Therefore, the clinical significance of this variant is uncertain